The following is an entry in ClinVar:

NM_006031.6(PCNT):c.3359G>A (p.Arg1120His)

Gene: PCNT (pericentrin; plus strand). Cytogenetic location: 21q22.3.
Variant type: single nucleotide variant.
Coding change: c.3359G>A on transcript NM_006031.6 (MANE Select); coding-DNA position 3359, G replaced by A.
Protein change: p.Arg1120His; replaces arginine 1120 with histidine.
Molecular consequence: missense variant.
Genome position (GRCh38, 1-based): chr21:46,385,878, G>A. VCF-style: chr21-46385878-G-A. GRCh37 (hg19) VCF-style: chr21-47805793-G-A.
Other names: c.3005G>A, p.Arg1002His (NM_001315529.2); short protein forms R1002H, R1120H.
Identifiers: ClinVar variation 2636364 (VCV002636364.1), dbSNP rs777563319, ClinGen allele CA410574310.

ClinVar aggregate classification (germline): Uncertain significance (1 of 4 stars; one submission).

Conditions:
PCNT-related disorder. Also called: PCNT-related condition.

Allele frequency attached by ClinVar (database versions not stated): gnomAD 0.00001.
gnomAD v4.1: 13 of 1,614,040 alleles (0.00081%); highest among the groups gnomAD compares: South Asian, 0.0022%; no homozygotes.

Submission:

PreventionGenetics, part of Exact Sciences
Classification: Uncertain significance for PCNT-related condition. Last evaluated: 2023-05-11. Review status: criteria provided, single submitter. Criteria: ACMG Guidelines, 2015. Collection method: clinical testing. Allele origin: germline.
Comment: The PCNT c.3359G>A variant is predicted to result in the amino acid substitution p.Arg1120His. To our knowledge, this variant has not been reported in the literature. This variant is reported in 0.0033% of alleles in individuals of South Asian descent in gnomAD. At this time, the clinical significance of this variant is uncertain due to the absence of conclusive functional and genetic evidence.